The following is an entry in ClinVar:

NM_000497.4(CYP11B1):c.1210C>T (p.Arg404Cys)

Genes: CYP11B1 (cytochrome P450 family 11 subfamily B member 1; minus strand), LOC106799833 (CYP11B1 recombination region; plus strand). Cytogenetic location: 8q24.3.
Variant type: single nucleotide variant.
Coding change: c.1210C>T on transcript NM_000497.4 (MANE Select); coding-DNA position 1210, C replaced by T.
Protein change: p.Arg404Cys; replaces arginine 404 with cysteine.
Molecular consequence: missense variant. On other transcripts: intron variant (1).
Genome position (GRCh38, 1-based): chr8:142,875,145, G>A on the plus strand (C>T on the coding strand, the complement: CYP11B1 is on the minus strand). VCF-style: chr8-142875145-G-A. GRCh37 (hg19) VCF-style: chr8-143956561-G-A.
Other names: c.1200+89C>T (NM_001026213.1); short protein forms R404C.
Identifiers: ClinVar variation 1967844 (VCV001967844.2), dbSNP rs779842583, ClinGen allele CA372392026.

ClinVar aggregate classification (germline): Uncertain significance (1 of 4 stars; one submission).

Submission:

Labcorp Genetics (formerly Invitae), Labcorp
Classification: Uncertain significance. Last evaluated: 2022-05-10. Review status: criteria provided, single submitter. Criteria: Invitae Variant Classification Sherloc (09022015). Collection method: clinical testing. Allele origin: germline.
Comment: This sequence change replaces arginine, which is basic and polar, with cysteine, which is neutral and slightly polar, at codon 404 of the CYP11B1 protein (p.Arg404Cys). This variant is present in population databases (no rsID available, gnomAD 0.006%). This variant has not been reported in the literature in individuals affected with CYP11B1-related conditions. Algorithms developed to predict the effect of missense changes on protein structure and function are either unavailable or do not agree on the potential impact of this missense change (SIFT: "Deleterious"; PolyPhen-2: "Benign"; Align-GVGD: "Class C15"). Algorithms developed to predict the effect of sequence changes on RNA splicing suggest that this variant may create or strengthen a splice site. In summary, the available evidence is currently insufficient to determine the role of this variant in disease. Therefore, it has been classified as a Variant of Uncertain Significance.